The following is an entry in ClinVar:

ClinVar aggregate classification (germline): Uncertain significance (1 of 4 stars; one submission).

Conditions:
Familial thoracic aortic aneurysm and aortic dissection (TAAD). Also called: Thoracic aortic aneurysms and dissections. Identifiers: Orphanet 91387, MedGen C4707243, MONDO:0019625.

Submission:

Color Diagnostics, LLC DBA Color Health
Classification: Uncertain significance for Familial thoracic aortic aneurysm and aortic dissection. Last evaluated: 2025-09-08. Review status: criteria provided, single submitter. Criteria: ACMG Guidelines, 2015. Collection method: clinical testing. Allele origin: germline.
Comment: This missense variant replaces glycine with glutamic acid at codon 2067 of the FBN1 protein. Computational prediction suggests that this variant may not impact protein structure and function. To our knowledge, functional studies have not been reported for this variant. This variant has not been reported in individuals affected with FBN1-related disorders in the literature. This variant has not been identified in the general population by the Genome Aggregation Database (gnomAD). The available evidence is insufficient to determine the role of this variant in disease conclusively. Therefore, this variant is classified as a Variant of Uncertain Significance.

NM_000138.5(FBN1):c.6200G>A (p.Gly2067Glu)

Gene: FBN1 (fibrillin 1; minus strand). Cytogenetic location: 15q21.1.
Variant type: single nucleotide variant.
Coding change: c.6200G>A on transcript NM_000138.5 (MANE Select); coding-DNA position 6200, G replaced by A.
Protein change: p.Gly2067Glu; replaces glycine 2067 with glutamic acid.
Molecular consequence: missense variant.
Genome position (GRCh38, 1-based): chr15:48,437,881, C>T on the plus strand (G>A on the coding strand, the complement: FBN1 is on the minus strand). VCF-style: chr15-48437881-C-T. GRCh37 (hg19) VCF-style: chr15-48730078-C-T.
Other names: c.6200G>A, p.Gly2067Glu (NM_001406716.1); short protein forms G2067E.
Identifiers: ClinVar variation 4758414 (VCV004758414.1).